The following is an entry in ClinVar:

NM_000059.4(BRCA2):c.6233del (p.Gly2078fs)

Gene: BRCA2 (BRCA2 DNA repair associated; plus strand). Cytogenetic location: 13q13.1.
Variant type: Deletion.
Coding change: c.6233del on transcript NM_000059.4 (MANE Select); coding-DNA position 6233, one base deleted (G; older notation c.6233delG).
Protein change: p.Gly2078fs; shifts the reading frame from glycine 2078.
Molecular consequence: frameshift variant. On other transcripts: non-coding transcript variant (1), intron variant (2).
Genome position (GRCh38, 1-based): chr13:32,340,588, G deleted; the last of 3 consecutive G bases (chr13:32,340,586-32,340,588); deleting any one gives the same sequence. VCF-style (leftmost placement, unchanged base first): chr13-32340585-AG-A. GRCh37 (hg19) VCF-style: chr13-32914722-AG-A.
Other names: c.6233del, p.Gly2078fs (NM_001406719.1, NM_001406720.1, NM_001432077.1); c.1910-3970del (NM_001406721.1); c.425-3970del (NM_001406722.1); short protein forms G2078fs.
Identifiers: ClinVar variation 4867871 (VCV004867871.1).

ClinVar aggregate classification (germline): Pathogenic (1 of 4 stars; one submission).

Conditions:
Hereditary cancer-predisposing syndrome. Also called: Neoplastic Syndromes, Hereditary; Tumor predisposition; Hereditary Cancer Syndrome; Hereditary neoplastic syndrome. Identifiers: Orphanet 140162, MedGen C0027672, MeSH D009386, MONDO:0015356.

Submission:

Ambry Genetics
Classification: Pathogenic for Hereditary cancer-predisposing syndrome. Last evaluated: 2026-05-27. Review status: criteria provided, single submitter. Criteria: Ambry Variant Classification Scheme 2023. Collection method: clinical testing. Allele origin: germline.
Comment: The c.6233delG pathogenic mutation, located in coding exon 10 of the BRCA2 gene, results from a deletion of one nucleotide at nucleotide position 6233, causing a translational frameshift with a predicted alternate stop codon (p.G2078Efs*3). This variant is considered to be rare based on population cohorts in the Genome Aggregation Database (gnomAD). This alteration is expected to result in loss of function by premature protein truncation or nonsense-mediated mRNA decay. As such, this alteration is interpreted as a disease-causing mutation.